The following is an entry in ClinVar:

NM_001017922.2(ERMAP):c.1035G>A (p.Pro345=)

Genes: ERMAP (erythroblast membrane associated protein (Scianna blood group); plus strand), ZNF691-DT (ZNF691 divergent transcript; minus strand). Cytogenetic location: 1p34.2.
Variant type: single nucleotide variant.
Coding change: c.1035G>A on transcript NM_001017922.2 (MANE Select); coding-DNA position 1035, G replaced by A.
Protein change: p.Pro345=; no amino-acid change (proline 345 retained).
Molecular consequence: synonymous variant. On other transcripts: non-coding transcript variant (1).
Genome position (GRCh38, 1-based): chr1:42,842,839, G>A. VCF-style: chr1-42842839-G-A. GRCh37 (hg19) VCF-style: chr1-43308510-G-A.
Other names: c.1035G>A, p.Pro345= (NM_018538.4).
Identifiers: ClinVar variation 3035409 (VCV003035409.3), dbSNP rs138178066, ClinGen allele CA802994.
Genomic context (GRCh38, chr1:42,842,839, plus strand): 5'-CAATGGACACTGGCTTCTGCGACAGAGTCGTGGGAATGAGTATGAAGCTCTCACATCCCC[G>A]CAGACCTCCTTCCGCCTTAAAGAGCCTCCACGGTGTGTGGGGATTTTCCTGGACTATGAA-3'
Protein context (NP_001017922.1, residues 335-355): RGNEYEALTS[Pro345=]QTSFRLKEPP

ClinVar aggregate classification (germline): Likely benign. Review status: criteria provided, single submitter (1 of 4 stars). 2 submissions from 2 submitters: Likely benign (1). 1 of the submissions does not count toward it. Last evaluated 2024-04-25.

Conditions:
ERMAP-related disorder. Also called: ERMAP-related condition.

Allele frequency attached by ClinVar (database versions not stated): ExAC 0.00031; gnomAD exomes 0.00035; gnomAD 0.00063; TOPMed 0.00076; 1000 Genomes Project 30x 0.00078; 1000 Genomes Project 0.00080; ESP Exome Variant Server 0.00100.
gnomAD v4.1: 621 of 1,614,136 alleles (0.038%); highest among the groups gnomAD compares: African/African-American, 0.14%; no homozygotes.

Submissions (2):

Blueprint Genetics
Classification: Likely benign. Last evaluated: 2024-04-25. Review status: criteria provided, single submitter. Criteria: ACMG Guidelines, 2015. Collection method: clinical testing. Allele origin: germline.

PreventionGenetics, part of Exact Sciences
Classification: Likely benign for ERMAP-related condition. Last evaluated: 2019-08-08. Review status: no assertion criteria provided. Collection method: clinical testing. Allele origin: germline. Not counted in ClinVar's aggregate classification.
Comment: This variant is classified as likely benign based on ACMG/AMP sequence variant interpretation guidelines (Richards et al. 2015 PMID: 25741868, with internal and published modifications).